The following is an entry in ClinVar:

NM_006231.4(POLE):c.1854G>C (p.Glu618Asp)

Gene: POLE (DNA polymerase epsilon, catalytic subunit; minus strand). Cytogenetic location: 12q24.33.
Variant type: single nucleotide variant.
Coding change: c.1854G>C on transcript NM_006231.4 (MANE Select); coding-DNA position 1854, G replaced by C.
Protein change: p.Glu618Asp; replaces glutamic acid 618 with aspartic acid.
Molecular consequence: missense variant.
Genome position (GRCh38, 1-based): chr12:132,668,880, C>G on the plus strand (G>C on the coding strand, the complement: POLE is on the minus strand). VCF-style: chr12-132668880-C-G. GRCh37 (hg19) VCF-style: chr12-133245466-C-G.
Other names: short protein forms E618D.
Identifiers: ClinVar variation 3308357 (VCV003308357.1).

ClinVar aggregate classification (germline): Uncertain significance (1 of 4 stars; one submission).

Conditions:
Hereditary cancer-predisposing syndrome. Also called: Tumor predisposition; Hereditary Cancer Syndrome; Hereditary neoplastic syndrome; Neoplastic Syndromes, Hereditary. Identifiers: Orphanet 140162, MedGen C0027672, MeSH D009386, MONDO:0015356.

Submission:

Ambry Genetics
Classification: Uncertain significance for Hereditary cancer-predisposing syndrome. Last evaluated: 2024-03-19. Review status: criteria provided, single submitter. Criteria: Ambry Variant Classification Scheme 2023. Collection method: clinical testing. Allele origin: germline.
Comment: The p.E618D variant (also known as c.1854G>C), located in coding exon 17 of the POLE gene, results from a G to C substitution at nucleotide position 1854. The glutamic acid at codon 618 is replaced by aspartic acid, an amino acid with highly similar properties. This amino acid position is conserved. In addition, the in silico prediction for this alteration is inconclusive. Based on the available evidence, the clinical significance of this alteration remains unclear.